The following is an entry in ClinVar:

ClinVar aggregate classification (germline): Conflicting classifications of pathogenicity. Review status: criteria provided, conflicting classifications (1 of 4 stars). 7 submissions from 7 submitters: Uncertain significance (6); Likely benign (1). Last evaluated 2026-03-31.

Conditions:
Cardiomyopathy (CMYO). Also called: Cardiomyopathies. Identifiers: Orphanet 167848, MedGen C0878544, MONDO:0004994, HP:0001638. Inheritance: Various modes of inheritance.
Cardiovascular phenotype. Identifiers: MedGen CN230736.
Arrhythmogenic cardiomyopathy with wooly hair and keratoderma. Also called: PALMOPLANTAR KERATODERMA WITH LEFT VENTRICULAR CARDIOMYOPATHY AND WOOLLY HAIR; Arrhythmogenic cardiomyopathy with woolly hair and keratoderma; Carvajal syndrome; Dilated cardiomyopathy with woolly hair and keratoderma. Identifiers: Orphanet 65282, MedGen C1854063, MONDO:0011581, OMIM 605676.
Cardiomyopathy, dilated, with wooly hair, keratoderma, and tooth agenesis. Also called: Erythrokeratodermia-cardiomyopathy syndrome; Cardiomyopathy, dilated, with woolly hair, keratoderma, and tooth agenesis. Identifiers: Orphanet 476096, Orphanet 65282, MedGen C4014393, MONDO:0014355, OMIM 615821.
Arrhythmogenic right ventricular dysplasia 8 (ARVD8). Also called: ARRHYTHMOGENIC RIGHT VENTRICULAR DYSPLASIA, FAMILIAL, 8; ARRHYTHMOGENIC RIGHT VENTRICULAR CARDIOMYOPATHY 8; Arrhythmogenic Right Ventricular Dysplasia/Cardiomyopathy 8. Identifiers: MedGen C1843896, MONDO:0011831, OMIM 607450.
Woolly hair-skin fragility syndrome (WHSF). Identifiers: Orphanet 293165, MedGen C1843292, MONDO:0957307, OMIM 620415.
Lethal acantholytic epidermolysis bullosa (EBLA). Identifiers: Orphanet 158687, MedGen C1864826, MONDO:0012323, OMIM 609638.
Keratosis palmoplantaris striata 2. Also called: KERATODERMA, PALMOPLANTAR, STRIATE FORM II; STRIATE PALMOPLANTAR KERATODERMA II; Keratosis palmoplantaris striata II. Identifiers: MedGen C1852127, MONDO:0013034, OMIM 612908.

Allele frequency attached by ClinVar (database versions not stated): gnomAD exomes 0.00001; gnomAD 0.00001; ExAC 0.00002; TOPMed 0.00001.
gnomAD v4.1: 46 of 1,614,072 alleles (0.0028%); highest among the groups gnomAD compares: Non-Finnish European, 0.0035%; no homozygotes.

Submissions (7):

Ambry Genetics
Classification: Uncertain significance for Cardiovascular phenotype. Last evaluated: 2026-03-31. Review status: criteria provided, single submitter. Criteria: Ambry Variant Classification Scheme 2023. Collection method: clinical testing. Allele origin: germline.
Comment: The p.Y2316C variant (also known as c.6947A>G), located in coding exon 24 of the DSP gene, results from an A to G substitution at nucleotide position 6947. The tyrosine at codon 2316 is replaced by cysteine, an amino acid with highly dissimilar properties. This amino acid position is not well conserved in available vertebrate species. In addition, the in silico prediction for this alteration is inconclusive. Based on the available evidence, the clinical significance of this variant remains unclear.

Color Diagnostics, LLC DBA Color Health
Classification: Uncertain significance for Cardiomyopathy. Last evaluated: 2025-10-14. Review status: criteria provided, single submitter. Criteria: ACMG Guidelines, 2015. Collection method: clinical testing. Allele origin: germline.
Comment: This missense variant replaces tyrosine with cysteine at codon 2316 of the DSP protein. Computational prediction suggests that this variant may not impact protein structure and function. To our knowledge, functional studies have not been reported for this variant. This variant has not been reported in individuals affected with DSP-related disorders in the literature. This variant has been identified in 46/1614072 chromosomes in the general population by the Genome Aggregation Database (gnomAD). The available evidence is insufficient to determine the role of this variant in disease conclusively. Therefore, this variant is classified as a Variant of Uncertain Significance.

Labcorp Genetics (formerly Invitae), Labcorp
Classification: Likely benign for Arrhythmogenic cardiomyopathy with wooly hair and keratoderma; Arrhythmogenic right ventricular dysplasia 8. Last evaluated: 2025-06-05. Review status: criteria provided, single submitter. Criteria: Invitae Variant Classification Sherloc (09022015). Collection method: clinical testing. Allele origin: germline.

Molecular Genetics, Royal Melbourne Hospital
Classification: Uncertain significance for Arrhythmogenic cardiomyopathy with wooly hair and keratoderma. Last evaluated: 2024-05-02. Review status: criteria provided, single submitter. Criteria: ACMG Guidelines, 2015. Collection method: clinical testing. Allele origin: germline. Inheritance: Autosomal dominant inheritance.

All of Us Research Program, National Institutes of Health
Classification: Uncertain significance for Arrhythmogenic cardiomyopathy with wooly hair and keratoderma. Last evaluated: 2023-12-13. Review status: criteria provided, single submitter. Criteria: ACMG Guidelines, 2015. Collection method: clinical testing. Allele origin: germline. Inheritance: Autosomal dominant inheritance. Observed: 7 variant alleles, 7 heterozygotes.
Comment: This missense variant replaces tyrosine with cysteine at codon 2316 of the DSP protein. Computational prediction suggests that this variant may not impact protein structure and function (internally defined REVEL score threshold <= 0.5, PMID: 27666373). To our knowledge, functional studies have not been reported for this variant. This variant has not been reported in individuals affected with cardiovascular disorders in the literature. This variant has been identified in 5/282892 chromosomes in the general population by the Genome Aggregation Database (gnomAD). The available evidence is insufficient to determine the role of this variant in disease conclusively. Therefore, this variant is classified as a Variant of Uncertain Significance.

This study involves interpretation of variants in research participants for the purpose of population health screening. Participant phenotype was not available at the time of variant classification. Additional details can be found in publication PMID: 35346344, PMCID: PMC8962531

Fulgent Genetics
Classification: Uncertain significance for Arrhythmogenic cardiomyopathy with wooly hair and keratoderma; Arrhythmogenic right ventricular dysplasia 8; Lethal acantholytic epidermolysis bullosa; Keratosis palmoplantaris striata 2; Cardiomyopathy, dilated, with wooly hair, keratoderma, and tooth agenesis. Last evaluated: 2021-07-28. Review status: criteria provided, single submitter. Criteria: ACMG Guidelines, 2015. Collection method: clinical testing. Allele origin: unknown.

GeneDx
Classification: Uncertain significance. Last evaluated: 2019-12-05. Review status: criteria provided, single submitter. Criteria: GeneDx Variant Classification Process June 2021. Collection method: clinical testing. Allele origin: germline. Affected: yes.
Comment: Has not been previously published as pathogenic or benign to our knowledge; Not observed at a significant frequency in large population cohorts (Lek et al., 2016); In silico analysis, which includes protein predictors and evolutionary conservation, supports that this variant does not alter protein structure/function

NM_004415.4(DSP):c.6947A>G (p.Tyr2316Cys)

Gene: DSP (desmoplakin; plus strand). Cytogenetic location: 6p24.3.
Variant type: single nucleotide variant.
Coding change: c.6947A>G on transcript NM_004415.4 (MANE Select); coding-DNA position 6947, A replaced by G.
Protein change: p.Tyr2316Cys; replaces tyrosine 2316 with cysteine.
Molecular consequence: missense variant.
Genome position (GRCh38, 1-based): chr6:7,584,209, A>G. VCF-style: chr6-7584209-A-G. GRCh37 (hg19) VCF-style: chr6-7584442-A-G.
Other names: c.5150A>G, p.Tyr1717Cys (NM_001008844.3); c.5618A>G, p.Tyr1873Cys (NM_001319034.2); short protein forms Y1717C, Y2316C, Y1873C.
Identifiers: ClinVar variation 924874 (VCV000924874.17), dbSNP rs765245807, ClinGen allele CA048714.